The following is an entry in ClinVar:

NM_032444.4(SLX4):c.941A>G (p.His314Arg)

Gene: SLX4 (SLX4 structure-specific endonuclease subunit; minus strand). Cytogenetic location: 16p13.3.
Variant type: single nucleotide variant.
Coding change: c.941A>G on transcript NM_032444.4 (MANE Select); coding-DNA position 941, A replaced by G.
Protein change: p.His314Arg; replaces histidine 314 with arginine.
Molecular consequence: missense variant.
Genome position (GRCh38, 1-based): chr16:3,602,127, T>C on the plus strand (A>G on the coding strand, the complement: SLX4 is on the minus strand). VCF-style: chr16-3602127-T-C. GRCh37 (hg19) VCF-style: chr16-3652128-T-C.
Other names: short protein forms H314R.
Identifiers: ClinVar variation 1319440 (VCV001319440.8), dbSNP rs1274906202, ClinGen allele CA394532162.

ClinVar aggregate classification (germline): Uncertain significance. Review status: criteria provided, multiple submitters, no conflicts (2 of 4 stars). 3 submissions from 3 submitters: Uncertain significance (3). Last evaluated 2023-05-31.

Conditions:
Inborn genetic diseases. Identifiers: MedGen C0950123, MeSH D030342.
Fanconi anemia (FA). Also called: Fanconi's anemia. Identifiers: Orphanet 84, MedGen C0015625, MeSH D005199, MONDO:0019391.

Allele frequency attached by ClinVar (database versions not stated): gnomAD exomes below 0.00001; TOPMed below 0.00001; gnomAD 0.00001.
gnomAD v4.1: 3 of 1,614,000 alleles (0.00019%); highest among the groups gnomAD compares: East Asian, 0.0022%; no homozygotes.

Submissions (3):

Ambry Genetics
Classification: Uncertain significance for Inborn genetic diseases. Last evaluated: 2023-05-31. Review status: criteria provided, single submitter. Criteria: Ambry Variant Classification Scheme 2023. Collection method: clinical testing. Allele origin: germline.

Labcorp Genetics (formerly Invitae), Labcorp
Classification: Uncertain significance for Fanconi anemia. Last evaluated: 2022-03-11. Review status: criteria provided, single submitter. Criteria: Invitae Variant Classification Sherloc (09022015). Collection method: clinical testing. Allele origin: germline.
Comment: This sequence change replaces histidine, which is basic and polar, with arginine, which is basic and polar, at codon 314 of the SLX4 protein (p.His314Arg). This variant is not present in population databases (gnomAD no frequency). This variant has not been reported in the literature in individuals affected with SLX4-related conditions. ClinVar contains an entry for this variant (Variation ID: 1319440). Algorithms developed to predict the effect of missense changes on protein structure and function are either unavailable or do not agree on the potential impact of this missense change (SIFT: "Deleterious"; PolyPhen-2: "Probably Damaging"; Align-GVGD: "Class C0"). In summary, the available evidence is currently insufficient to determine the role of this variant in disease. Therefore, it has been classified as a Variant of Uncertain Significance.

Institute for Clinical Genetics, University Hospital TU Dresden, University Hospital TU Dresden
Classification: Uncertain significance. Last evaluated: 2021-11-03. Review status: criteria provided, single submitter. Criteria: ACMG Guidelines, 2015. Collection method: clinical testing. Allele origin: germline.